The following is an entry in ClinVar:

ClinVar aggregate classification (germline): Pathogenic. Review status: criteria provided, multiple submitters, no conflicts (2 of 4 stars). 2 submissions from 2 submitters: Pathogenic (2). Last evaluated 2023-07-26.

Conditions:
Nephronophthisis. Also called: Juvenile Nephronophthisis. Identifiers: Orphanet 655, MedGen C0687120, MONDO:0019005, HP:0000090.
Meckel-Gruber syndrome. Also called: DYSENCEPHALIA SPLANCHNOCYSTICA; GRUBER SYNDROME; Dysencephalia splachnocystica. Identifiers: Orphanet 564, MedGen C0265215, MONDO:0018921.
Joubert syndrome. Also called: CEREBELLOPARENCHYMAL DISORDER IV; JOUBERT-BOLTSHAUSER SYNDROME; Familial aplasia of the vermis. Identifiers: Orphanet 475, MedGen C5979921, MONDO:0018772.
Bardet-Biedl syndrome 14 (BBS14). Identifiers: Orphanet 110, MedGen C2673874, MONDO:0014442, OMIM 615991.

Submissions (2):

Baylor Genetics
Classification: Pathogenic for Bardet-Biedl syndrome 14. Last evaluated: 2023-07-26. Review status: criteria provided, single submitter. Criteria: ACMG Guidelines, 2015. Collection method: clinical testing. Allele origin: unknown.

Labcorp Genetics (formerly Invitae), Labcorp
Classification: Pathogenic for Joubert syndrome; Meckel-Gruber syndrome; Nephronophthisis. Last evaluated: 2021-07-08. Review status: criteria provided, single submitter. Criteria: Invitae Variant Classification Sherloc (09022015). Collection method: clinical testing. Allele origin: germline.
Comment: This variant has not been reported in the literature in individuals affected with CEP290-related conditions. This variant is not present in population databases (ExAC no frequency). This sequence change creates a premature translational stop signal (p.Glu963*) in the CEP290 gene. It is expected to result in an absent or disrupted protein product. Loss-of-function variants in CEP290 are known to be pathogenic (PMID: 16909394, 17345604, 20690115). For these reasons, this variant has been classified as Pathogenic.

Literature cited by the submitters: PubMed 16909394 (cited by Labcorp Genetics (formerly Invitae), Labcorp); PubMed 17345604 (cited by Labcorp Genetics (formerly Invitae), Labcorp); PubMed 20690115 (cited by Labcorp Genetics (formerly Invitae), Labcorp).

NM_025114.4(CEP290):c.2887G>T (p.Glu963Ter)

Gene: CEP290 (centrosomal protein 290; minus strand). Cytogenetic location: 12q21.32.
Variant type: single nucleotide variant.
Coding change: c.2887G>T on transcript NM_025114.4 (MANE Select); coding-DNA position 2887, G replaced by T.
Protein change: p.Glu963Ter; replaces glutamic acid 963 with a stop codon.
Molecular consequence: nonsense.
Genome position (GRCh38, 1-based): chr12:88,102,942, C>A on the plus strand (G>T on the coding strand, the complement: CEP290 is on the minus strand). VCF-style: chr12-88102942-C-A. GRCh37 (hg19) VCF-style: chr12-88496719-C-A.
Other names: short protein forms E963*.
Identifiers: ClinVar variation 1456189 (VCV001456189.7), dbSNP rs1180594304, ClinGen allele CA385969667.